The following is an entry in ClinVar:

ClinVar aggregate classification (germline): Uncertain significance. Review status: criteria provided, multiple submitters, no conflicts (2 of 4 stars). 2 submissions from 2 submitters: Uncertain significance (2). Last evaluated 2026-03-12.

Conditions:
Cardiovascular phenotype. Identifiers: MedGen CN230736.
Hypertrophic cardiomyopathy. Also called: HYPERTROPHIC MYOCARDIOPATHY. Identifiers: Orphanet 217569, MedGen C0007194, MeSH D002312, MONDO:0005045, HP:0001639.

Submissions (2):

Ambry Genetics
Classification: Uncertain significance for Cardiovascular phenotype. Last evaluated: 2026-03-12. Review status: criteria provided, single submitter. Criteria: Ambry Variant Classification Scheme 2023. Collection method: clinical testing. Allele origin: germline.
Comment: The p.L228H variant (also known as c.683T>A), located in coding exon 7 of the TPM1 gene, results from a T to A substitution at nucleotide position 683. The leucine at codon 228 is replaced by histidine, an amino acid with similar properties. This amino acid position is conserved. In addition, this alteration is predicted to be deleterious by in silico analysis. Based on the available evidence, the clinical significance of this variant remains unclear.

Labcorp Genetics (formerly Invitae), Labcorp
Classification: Uncertain significance for Hypertrophic cardiomyopathy. Last evaluated: 2024-08-28. Review status: criteria provided, single submitter. Criteria: Invitae Variant Classification Sherloc (09022015). Collection method: clinical testing. Allele origin: germline.
Comment: This sequence change replaces leucine, which is neutral and non-polar, with histidine, which is basic and polar, at codon 228 of the TPM1 protein (p.Leu228His). This variant is not present in population databases (gnomAD no frequency). This variant has not been reported in the literature in individuals affected with TPM1-related conditions. An algorithm developed to predict the effect of missense changes on protein structure and function (PolyPhen-2) suggests that this variant is likely to be disruptive. In summary, the available evidence is currently insufficient to determine the role of this variant in disease. Therefore, it has been classified as a Variant of Uncertain Significance.

NM_001018005.2(TPM1):c.683T>A (p.Leu228His)

Gene: TPM1 (tropomyosin 1; plus strand). Cytogenetic location: 15q22.2.
Variant type: single nucleotide variant.
Coding change: c.683T>A on transcript NM_001018005.2 (MANE Select); coding-DNA position 683, T replaced by A.
Protein change: p.Leu228His; replaces leucine 228 with histidine.
Molecular consequence: missense variant. On other transcripts: non-coding transcript variant (17).
Genome position (GRCh38, 1-based): chr15:63,062,258, T>A. VCF-style: chr15-63062258-T-A. GRCh37 (hg19) VCF-style: chr15-63354457-T-A.
Other names: c.683T>A (NM_001018005.1); c.809T>A, p.Leu270His (NM_001407323.1, NM_001407324.1, NM_001365778.1 and 1 more transcripts); c.683T>A, p.Leu228His (NM_001407325.1, NM_001407326.1, NM_001407327.1 and 20 more transcripts); c.575T>A, p.Leu192His (NM_001407344.1, NM_001365780.1, NM_001365781.2 and 9 more transcripts); short protein forms L228H, L270H, L192H.
Identifiers: ClinVar variation 3688840 (VCV003688840.3).